The following is an entry in ClinVar:

ClinVar aggregate classification (germline): Uncertain significance. Review status: criteria provided, multiple submitters, no conflicts (2 of 4 stars). 2 submissions from 2 submitters: Uncertain significance (2). Last evaluated 2025-11-20.

Conditions:
Primary ciliary dyskinesia. Also called: Ciliary dyskinesia. Identifiers: Orphanet 244, MedGen C0008780, MONDO:0016575, HP:0012265.
Inborn genetic diseases. Identifiers: MedGen C0950123, MeSH D030342.

Allele frequency attached by ClinVar (database versions not stated): ExAC 0.00003; gnomAD exomes 0.00006; gnomAD 0.00007; ESP Exome Variant Server 0.00008; TOPMed 0.00008.
gnomAD v4.1: 92 of 1,614,120 alleles (0.0057%); highest among the groups gnomAD compares: African/African-American, 0.032%; no homozygotes.

Submissions (2):

Ambry Genetics
Classification: Uncertain significance for Inborn genetic diseases. Last evaluated: 2025-11-20. Review status: criteria provided, single submitter. Criteria: Ambry Variant Classification Scheme 2023. Collection method: clinical testing. Allele origin: germline.

Labcorp Genetics (formerly Invitae), Labcorp
Classification: Uncertain significance for Primary ciliary dyskinesia. Last evaluated: 2021-12-08. Review status: criteria provided, single submitter. Criteria: Invitae Variant Classification Sherloc (09022015). Collection method: clinical testing. Allele origin: germline.
Comment: This variant is present in population databases (rs369657833, gnomAD 0.02%). This sequence change replaces glycine, which is neutral and non-polar, with serine, which is neutral and polar, at codon 51 of the RSPH1 protein (p.Gly51Ser). This variant has not been reported in the literature in individuals affected with RSPH1-related conditions. In summary, the available evidence is currently insufficient to determine the role of this variant in disease. Therefore, it has been classified as a Variant of Uncertain Significance. Algorithms developed to predict the effect of missense changes on protein structure and function are either unavailable or do not agree on the potential impact of this missense change (SIFT: "Tolerated"; PolyPhen-2: "Probably Damaging"; Align-GVGD: "Class C0").

NM_080860.4(RSPH1):c.151G>A (p.Gly51Ser)

Genes: RSPH1 (radial spoke head component 1; minus strand), LOC126653391 (CDK7 strongly-dependent group 2 enhancer GRCh37_chr21:43912470-43913669; plus strand). Cytogenetic location: 21q22.3.
Variant type: single nucleotide variant.
Coding change: c.151G>A on transcript NM_080860.4 (MANE Select); coding-DNA position 151, G replaced by A.
Protein change: p.Gly51Ser; replaces glycine 51 with serine.
Molecular consequence: missense variant. On other transcripts: intron variant (1).
Genome position (GRCh38, 1-based): chr21:42,492,983, C>T on the plus strand (G>A on the coding strand, the complement: RSPH1 is on the minus strand). VCF-style: chr21-42492983-C-T. GRCh37 (hg19) VCF-style: chr21-43913093-C-T.
Other names: c.55-120G>A (NM_001286506.2); c.151G>A (NM_080860.2); short protein forms G51S.
Identifiers: ClinVar variation 2144232 (VCV002144232.2), dbSNP rs369657833, ClinGen allele CA10044045.